The following is an entry in ClinVar:

ClinVar aggregate classification (germline): Uncertain significance (1 of 4 stars; one submission).

Allele frequency attached by ClinVar (database versions not stated): gnomAD exomes 0.00010; 1000 Genomes Project 0.00020; ESP Exome Variant Server 0.00023; TOPMed 0.00004; gnomAD 0.00007; ExAC 0.00012; 1000 Genomes Project 30x 0.00016.
gnomAD v4.1: 149 of 1,609,994 alleles (0.0093%); highest among the groups gnomAD compares: South Asian, 0.024%; no homozygotes.

Submission:

Labcorp Genetics (formerly Invitae), Labcorp
Classification: Uncertain significance. Last evaluated: 2025-05-22. Review status: criteria provided, single submitter. Criteria: Invitae Variant Classification Sherloc (09022015). Collection method: clinical testing. Allele origin: germline.
Comment: This sequence change replaces arginine, which is basic and polar, with glutamine, which is neutral and polar, at codon 935 of the CCDC141 protein (p.Arg935Gln). This variant is present in population databases (rs142773032, gnomAD 0.04%). This variant has not been reported in the literature in individuals affected with CCDC141-related conditions. ClinVar contains an entry for this variant (Variation ID: 2741689). An algorithm developed to predict the effect of missense changes on protein structure and function (PolyPhen-2) suggests that this variant is likely to be disruptive. In summary, the available evidence is currently insufficient to determine the role of this variant in disease. Therefore, it has been classified as a Variant of Uncertain Significance.

NM_173648.4(CCDC141):c.2804G>A (p.Arg935Gln)

Gene: CCDC141 (coiled-coil domain containing 141; minus strand). Cytogenetic location: 2q31.2.
Variant type: single nucleotide variant.
Coding change: c.2804G>A on transcript NM_173648.4 (MANE Select); coding-DNA position 2804, G replaced by A.
Protein change: p.Arg935Gln; replaces arginine 935 with glutamine.
Molecular consequence: missense variant.
Genome position (GRCh38, 1-based): chr2:178,856,318, C>T on the plus strand (G>A on the coding strand, the complement: CCDC141 is on the minus strand). VCF-style: chr2-178856318-C-T. GRCh37 (hg19) VCF-style: chr2-179721045-C-T.
Other names: short protein forms R935Q.
Identifiers: ClinVar variation 2741689 (VCV002741689.3), dbSNP rs142773032, ClinGen allele CA2006884.
Genomic context (GRCh38, chr2:178,856,318, plus strand): 5'-TGCATTTTTTCAGCATACATATCAACTTGCTGAATTTGATATTTAAGCGCCTTCAGATTC[C>T]GAGATTTTTCATTTTTCTTAGTGTAATTAAACTTCAAATTATTGAATTTCTTTTTGATAT-3'
Protein context (NP_775919.3, residues 925-945): FNYTKKNEKS[Arg935Gln]NLKALKYQIQ